The following is an entry in ClinVar:

NM_003072.5(SMARCA4):c.*5C>T

Gene: SMARCA4 (SWI/SNF related BAF chromatin remodeling complex subunit ATPase 4; plus strand). Cytogenetic location: 19p13.2.
Variant type: single nucleotide variant.
Coding change: c.*5C>T on transcript NM_003072.5 (MANE Select); 5 bases downstream of the stop codon, C replaced by T.
Molecular consequence: 3 prime UTR variant. On other transcripts: non-coding transcript variant (1).
Genome position (GRCh38, 1-based): chr19:11,061,821, C>T. VCF-style: chr19-11061821-C-T. GRCh37 (hg19) VCF-style: chr19-11172497-C-T.
Other names: c.*5C>T (NM_001128844.3, NM_001128845.2, NM_001128846.2 and 6 more transcripts).
Identifiers: ClinVar variation 5042110 (VCV005042110.1).

ClinVar aggregate classification (germline): Benign (1 of 4 stars; one submission).

Conditions:
Rhabdoid tumor predisposition syndrome 2 (RTPS2). Identifiers: Orphanet 231108, Orphanet 69077, MedGen C2750074, MONDO:0013224, OMIM 613325.

gnomAD v4.1: 11 of 1,613,740 alleles (0.00068%); highest among the groups gnomAD compares: African/African-American, 0.004%; no homozygotes.

Submission:

Myriad Genetics, Inc.
Classification: Benign for Rhabdoid tumor predisposition syndrome 2. Last evaluated: 2026-07-27. Review status: criteria provided, single submitter. Criteria: Myriad Autosomal Dominant, Autosomal Recessive and X-Linked Classification Criteria (2023). Collection method: clinical testing. Allele origin: unknown.
Comment: This variant is considered benign. This variant occurs in the non-coding 3' untranslated region of the gene, and is not expected to impact protein function.